The following is an entry in ClinVar:

ClinVar aggregate classification (germline): Uncertain significance (1 of 4 stars; one submission).

Conditions:
Dilated cardiomyopathy 1O (CMD1O). Also called: CARDIOMYOPATHY, DILATED, WITH VENTRICULAR TACHYCARDIA. Identifiers: Orphanet 154, MedGen C1837839, MONDO:0012062, OMIM 608569.

Submission:

Labcorp Genetics (formerly Invitae), Labcorp
Classification: Uncertain significance for Dilated cardiomyopathy 1O. Last evaluated: 2024-08-04. Review status: criteria provided, single submitter. Criteria: Invitae Variant Classification Sherloc (09022015). Collection method: clinical testing. Allele origin: germline.
Comment: This sequence change replaces leucine, which is neutral and non-polar, with serine, which is neutral and polar, at codon 610 of the ABCC9 protein (p.Leu610Ser). This variant is not present in population databases (gnomAD no frequency). This variant has not been reported in the literature in individuals affected with ABCC9-related conditions. Advanced modeling of protein sequence and biophysical properties (such as structural, functional, and spatial information, amino acid conservation, physicochemical variation, residue mobility, and thermodynamic stability) performed at Invitae indicates that this missense variant is not expected to disrupt ABCC9 protein function with a negative predictive value of 95%. In summary, the available evidence is currently insufficient to determine the role of this variant in disease. Therefore, it has been classified as a Variant of Uncertain Significance.

NM_020297.4(ABCC9):c.1829T>C (p.Leu610Ser)

Gene: ABCC9 (ATP binding cassette subfamily C member 9; minus strand). Cytogenetic location: 12p12.1.
Variant type: single nucleotide variant.
Coding change: c.1829T>C on transcript NM_020297.4 (MANE Select); coding-DNA position 1829, T replaced by C.
Protein change: p.Leu610Ser; replaces leucine 610 with serine.
Molecular consequence: missense variant.
Genome position (GRCh38, 1-based): chr12:21,887,908, A>G on the plus strand (T>C on the coding strand, the complement: ABCC9 is on the minus strand). VCF-style: chr12-21887908-A-G. GRCh37 (hg19) VCF-style: chr12-22040842-A-G.
Other names: c.1829T>C, p.Leu610Ser (NM_001377273.1, NM_005691.4); c.965T>C, p.Leu322Ser (NM_001377274.1); short protein forms L322S, L610S.
Identifiers: ClinVar variation 3611633 (VCV003611633.2).